The following is an entry in ClinVar:

NM_006372.5(SYNCRIP):c.1514G>T (p.Gly505Val)

Gene: SYNCRIP (synaptotagmin binding cytoplasmic RNA interacting protein; minus strand). Cytogenetic location: 6q14.3.
Variant type: single nucleotide variant.
Coding change: c.1514G>T on transcript NM_006372.5 (MANE Select); coding-DNA position 1514, G replaced by T.
Protein change: p.Gly505Val; replaces glycine 505 with valine.
Molecular consequence: missense variant.
Genome position (GRCh38, 1-based): chr6:85,615,114, C>A on the plus strand (G>T on the coding strand, the complement: SYNCRIP is on the minus strand). VCF-style: chr6-85615114-C-A. GRCh37 (hg19) VCF-style: chr6-86324832-C-A.
Other names: c.1220G>T, p.Gly407Val (NM_001159673.2, NM_001410938.1, NM_001439159.1); c.1409G>T, p.Gly470Val (NM_001159674.2, NM_001159675.2); c.1514G>T, p.Gly505Val (NM_001159676.2, NM_001159677.2, NM_001439158.1 and 3 more transcripts); c.1058G>T, p.Gly353Val (NM_001253771.2); short protein forms G353V, G407V, G470V, G505V.
Identifiers: ClinVar variation 4881136 (VCV004881136.2).

ClinVar aggregate classification (germline): Uncertain significance (1 of 4 stars; one submission).

Conditions:
SYNCRIP-related neurodevelopmental disorder. Identifiers: MedGen CN376111, MONDO:0800456.

gnomAD v4.1: 1 of 1,614,074 alleles (0.000062%); highest among the groups gnomAD compares: Non-Finnish European, 0.000085%; no homozygotes.

Submission:

Dasa
Classification: Uncertain significance for SYNCRIP-related neurodevelopmental disorder. Last evaluated: 2026-04-06. Review status: criteria provided, single submitter. Criteria: DASA Assertion Criteria. Collection method: clinical testing. Allele origin: germline.
Comment: NM_006372.5(SYNCRIP):c.1514G>T (p.Gly505Val) is a missense variant that results in the substitution of glycine with valine. This variant is rare in population databases. The currently available literature and clinical evidence are not sufficient to establish a definitive association between this variant and the reported condition. Therefore, this variant is classified as a variant of uncertain significance.